The following is an entry in ClinVar:

NM_016011.5(MECR):c.638A>G (p.Asn213Ser)

Gene: MECR (mitochondrial trans-2-enoyl-CoA reductase; minus strand). Cytogenetic location: 1p35.3.
Variant type: single nucleotide variant.
Coding change: c.638A>G on transcript NM_016011.5 (MANE Select); coding-DNA position 638, A replaced by G.
Protein change: p.Asn213Ser; replaces asparagine 213 with serine.
Molecular consequence: missense variant. On other transcripts: non-coding transcript variant (3).
Genome position (GRCh38, 1-based): chr1:29,203,146, T>C on the plus strand (A>G on the coding strand, the complement: MECR is on the minus strand). VCF-style: chr1-29203146-T-C. GRCh37 (hg19) VCF-style: chr1-29529658-T-C.
Other names: c.410A>G, p.Asn137Ser (NM_001024732.4, NM_001349711.2, NM_001349712.2 and 2 more transcripts); c.743A>G, p.Asn248Ser (NM_001349715.2); c.722A>G, p.Asn241Ser (NM_001349716.2); c.488A>G, p.Asn163Ser (NM_001349717.2); short protein forms N248S, N213S, N163S, N137S, N241S.
Identifiers: ClinVar variation 1441821 (VCV001441821.4), dbSNP rs200195789, ClinGen allele CA725744.

ClinVar aggregate classification (germline): Uncertain significance. Review status: criteria provided, multiple submitters, no conflicts (2 of 4 stars). 2 submissions from 2 submitters: Uncertain significance (2). Last evaluated 2026-09-01.

Allele frequency attached by ClinVar (database versions not stated): gnomAD 0.00002 and 0.00003; TOPMed 0.00002; gnomAD exomes 0.00003; ExAC 0.00009; 1000 Genomes Project 30x 0.00016; 1000 Genomes Project 0.00020.
gnomAD v4.1: 70 of 1,578,440 alleles (0.0044%); highest among the groups gnomAD compares: Non-Finnish European, 0.0052%; no homozygotes.

Submissions (2):

CeGaT Center for Human Genetics Tuebingen
Classification: Uncertain significance. Last evaluated: 2026-09-01. Review status: criteria provided, single submitter. Criteria: CeGaT Center For Human Genetics Tuebingen Variant Classification Criteria Version 2. Collection method: clinical testing. Allele origin: germline. Affected: yes. Observed: 1 variant allele.
Comment: MECR: PM2

Labcorp Genetics (formerly Invitae), Labcorp
Classification: Uncertain significance. Last evaluated: 2021-11-02. Review status: criteria provided, single submitter. Criteria: Invitae Variant Classification Sherloc (09022015). Collection method: clinical testing. Allele origin: germline.
Comment: This sequence change replaces asparagine, which is neutral and polar, with serine, which is neutral and polar, at codon 213 of the MECR protein (p.Asn213Ser). This variant is present in population databases (rs200195789, gnomAD 0.005%). This variant has not been reported in the literature in individuals affected with MECR-related conditions. Algorithms developed to predict the effect of missense changes on protein structure and function (SIFT, PolyPhen-2, Align-GVGD) all suggest that this variant is likely to be tolerated. In summary, the available evidence is currently insufficient to determine the role of this variant in disease. Therefore, it has been classified as a Variant of Uncertain Significance.